The following is an entry in ClinVar:

ClinVar aggregate classification (germline): Conflicting classifications of pathogenicity. Review status: criteria provided, conflicting classifications (1 of 4 stars). 2 submissions from 2 submitters: Uncertain significance (1); Likely benign (1). Last evaluated 2024-11-30.

Conditions:
Hereditary cancer-predisposing syndrome. Also called: Hereditary Cancer Syndrome; Hereditary neoplastic syndrome; Neoplastic Syndromes, Hereditary; Tumor predisposition. Identifiers: Orphanet 140162, MedGen C0027672, MeSH D009386, MONDO:0015356.
Gastrointestinal stromal tumor. Also called: Gastrointestinal stroma tumor; Gastrointestinal stromal tumor, somatic. Identifiers: Orphanet 44890, MedGen C0238198, MeSH D046152, MONDO:0011719, OMIM 606764, HP:0100723.

Allele frequency attached by ClinVar (database versions not stated): gnomAD exomes below 0.00001; ExAC 0.00001; 1000 Genomes Project 30x 0.00016; 1000 Genomes Project 0.00020.

Submissions (2):

Ambry Genetics
Classification: Likely benign for Hereditary cancer-predisposing syndrome. Last evaluated: 2024-11-30. Review status: criteria provided, single submitter. Criteria: Ambry Variant Classification Scheme 2023. Collection method: clinical testing. Allele origin: germline.

Labcorp Genetics (formerly Invitae), Labcorp
Classification: Uncertain significance for Gastrointestinal stromal tumor. Last evaluated: 2023-05-19. Review status: criteria provided, single submitter. Criteria: Invitae Variant Classification Sherloc (09022015). Collection method: clinical testing. Allele origin: germline.
Comment: This variant has not been reported in the literature in individuals affected with PDGFRA-related conditions. This variant is present in population databases (rs201614191, gnomAD 0.0009%). This sequence change replaces aspartic acid, which is acidic and polar, with glutamic acid, which is acidic and polar, at codon 142 of the PDGFRA protein (p.Asp142Glu). ClinVar contains an entry for this variant (Variation ID: 2173451). In summary, the available evidence is currently insufficient to determine the role of this variant in disease. Therefore, it has been classified as a Variant of Uncertain Significance. Algorithms developed to predict the effect of missense changes on protein structure and function output the following: SIFT: "Not Available"; PolyPhen-2: "Benign"; Align-GVGD: "Not Available". The glutamic acid amino acid residue is found in multiple mammalian species, which suggests that this missense change does not adversely affect protein function.

NM_006206.6(PDGFRA):c.426T>G (p.Asp142Glu)

Gene: PDGFRA (platelet derived growth factor receptor alpha; plus strand). Cytogenetic location: 4q12.
Variant type: single nucleotide variant.
Coding change: c.426T>G on transcript NM_006206.6 (MANE Select); coding-DNA position 426, T replaced by G.
Protein change: p.Asp142Glu; replaces aspartic acid 142 with glutamic acid.
Molecular consequence: missense variant.
Genome position (GRCh38, 1-based): chr4:54,263,725, T>G. VCF-style: chr4-54263725-T-G. GRCh37 (hg19) VCF-style: chr4-55129892-T-G.
Other names: c.465T>G, p.Asp155Glu (NM_001347830.2); c.426T>G, p.Asp142Glu (NM_001347827.2, NM_001347829.2); c.501T>G, p.Asp167Glu (NM_001347828.2); short protein forms D155E, D142E, D167E.
Identifiers: ClinVar variation 2173451 (VCV002173451.5), dbSNP rs201614191, ClinGen allele CA2922292.
Genomic context (GRCh38, chr4:54,263,725, plus strand): 5'-AGACCCAGATGTAGCCTTTGTACCTCTAGGAATGACGGATTATTTAGTCATCGTGGAGGA[T>G]GATGATTCTGCCATTATACCTTGTCGCACAACTGATCCCGAGACTCCTGTAACCTTACAC-3'
Protein context (NP_006197.1, residues 132-152): GMTDYLVIVE[Asp142Glu]DDSAIIPCRT